The following is an entry in ClinVar:

NM_000157.4(GBA1):c.476G>A (p.Arg159Gln)

Genes: GBA1 (glucosylceramidase beta 1; minus strand), LOC106627981 (GBA recombination region; plus strand). Cytogenetic location: 1q22.
Variant type: single nucleotide variant.
Coding change: c.476G>A on transcript NM_000157.4 (MANE Select); coding-DNA position 476, G replaced by A.
Protein change: p.Arg159Gln; replaces arginine 159 with glutamine.
Molecular consequence: missense variant.
Genome position (GRCh38, 1-based): chr1:155,238,629, C>T on the plus strand (G>A on the coding strand, the complement: GBA1 is on the minus strand). VCF-style: chr1-155238629-C-T. GRCh37 (hg19) VCF-style: chr1-155208420-C-T.
Other names: R119Q; NC_000001.10:g.155208420C>T; c.476G>A, p.Arg159Gln (NM_001005741.3, NM_001005742.3); c.215G>A, p.Arg72Gln (NM_001171811.2); c.329G>A, p.Arg110Gln (NM_001171812.2); c.476G>A (NM_000157.3); short protein forms R159Q, R110Q, R72Q.
Identifiers: ClinVar variation 4291 (VCV000004291.22), dbSNP rs79653797, ClinGen allele CA253057.

ClinVar aggregate classification (germline): Conflicting classifications of pathogenicity. Review status: criteria provided, conflicting classifications (1 of 4 stars). 12 submissions from 11 submitters: Pathogenic (7); Likely pathogenic (1); Uncertain significance (1). 3 of the submissions do not count toward it. Last evaluated 2026-01-14.

Conditions:
Gaucher disease type III. Also called: Subacute neuronopathic Gaucher's disease; GAUCHER DISEASE, CHRONIC NEURONOPATHIC TYPE; GAUCHER DISEASE, JUVENILE AND ADULT, CEREBRAL; GAUCHER DISEASE, SUBACUTE NEURONOPATHIC TYPE; GD III; Gaucher Disease, Type 3. Identifiers: Orphanet 355, Orphanet 77261, MedGen C0268251, MONDO:0009267, OMIM 231000.
Gaucher disease-ophthalmoplegia-cardiovascular calcification syndrome. Also called: GAUCHER DISEASE, TYPE IIIC. Identifiers: Orphanet 2072, MedGen C1856476, MONDO:0009268, OMIM 231005.
Gaucher disease type I (GD1). Also called: GD 1; ACID BETA-GLUCOSIDASE DEFICIENCY; Gaucher's disease, type 1; GAUCHER DISEASE, NONCEREBRAL JUVENILE; GBA DEFICIENCY; GD I. Identifiers: Orphanet 355, Orphanet 77259, MedGen C1961835, MONDO:0009265, OMIM 230800.
Gaucher disease type II (GD2). Also called: Acute neuronopathic Gaucher's disease; GAUCHER DISEASE, ACUTE NEURONOPATHIC TYPE; GD II; Type 2 Gaucher disease (Acute; Infantile). Identifiers: Orphanet 77260, MedGen C0268250, MONDO:0009266, OMIM 230900.
Gaucher disease. Also called: Acute cerebral Gaucher disease; Cerebroside lipidosis syndrome; Gaucher splenomegaly; Sphingolipidosis 1; Glucocerebrosidosis; Glucosylceramidase deficiency. Identifiers: Orphanet 355, MedGen C0017205, MONDO:0018150.
Gaucher disease perinatal lethal. Also called: Gaucher disease collodion type; Gaucher Disease, Perinatal-Lethal Form. Identifiers: Orphanet 85212, MedGen C1842704, MONDO:0011945, OMIM 608013.

Allele frequency attached by ClinVar (database versions not stated): gnomAD 0.00001; gnomAD exomes 0.00001.
gnomAD v4.1: 13 of 1,613,418 alleles (0.00081%); highest among the groups gnomAD compares: Admixed American, 0.0017%; no homozygotes.

Submissions 1 to 8 of 13:

Labcorp Genetics (formerly Invitae), Labcorp
Classification: Pathogenic. Last evaluated: 2026-01-14. Review status: criteria provided, single submitter. Criteria: Invitae Variant Classification Sherloc (09022015). Collection method: clinical testing. Allele origin: germline.
Comment: This sequence change replaces arginine, which is basic and polar, with glutamine, which is neutral and polar, at codon 159 of the GBA protein (p.Arg159Gln). The frequency data for this variant in the population databases (gnomAD) is considered unreliable due to the presence of homologous sequence, such as pseudogenes or paralogs, in the genome. This missense change has been observed in individual(s) with dementia with Lewy bodies, Parkinson disease and/or Gaucher disease (PMID: 3180993, 10796875, 15214004, 23588557, 32613234, 33977031, 34820281). This variant is also known as R120Q, Arg119Gln. ClinVar contains an entry for this variant (Variation ID: 4291). Invitae Evidence Modeling of protein sequence and biophysical properties (such as structural, functional, and spatial information, amino acid conservation, physicochemical variation, residue mobility, and thermodynamic stability) indicates that this missense variant is expected to disrupt GBA protein function with a positive predictive value of 80%. Experimental studies have shown that this missense change affects GBA function (PMID: 16293621). This variant disrupts the p.Arg159 amino acid residue in GBA. Other variant(s) that disrupt this residue have been determined to be pathogenic (PMID: 17395504, 17427031, 22623374, 23430543). This suggests that this residue is clinically significant, and that variants that disrupt this residue are likely to be disease-causing. For these reasons, this variant has been classified as Pathogenic.

Dasa
Classification: Pathogenic. Last evaluated: 2025-12-30. Review status: criteria provided, single submitter. Criteria: DASA Assertion Criteria. Collection method: clinical testing. Allele origin: germline.
Comment: NM_000157.4(GBA):c.476G>A (p.Arg159Gln) is a missense variant that results in the substitution of arginine with glutamine. The affected residue or protein region has prior evidence supporting clinical relevance. Segregation data support an association with disease in the reported family/families (PMID: 3180993). This variant has been recurrently observed in individuals with GBA-related disorders (PMID: 15214004; PMID: 2349952; PMID: 3180993). Also, this variant is rare in population databases. Computational evidence supports a deleterious effect. Based on the currently available evidence, this variant is classified as pathogenic.

Natera, Inc.
Classification: Pathogenic for Gaucher disease. Last evaluated: 2025-11-23. Review status: criteria provided, single submitter. Criteria: Natera Variant Classification Schema (03/2026). Collection method: clinical testing. Allele origin: germline.
Comment: The c.476G>A variant in GBA1 is a missense variant predicted to cause substitution of arginine to glutamine at amino acid 159. This variant is rare in the general population with a frequency below the threshold expected for the associated phenotype(s). This variant has been observed in one or more individuals affected with the associated recessive disease, as either homozygous or compound heterozygous with a second variant (PMID: 17059888, 34649574). Given the available evidence, this variant is classified as Pathogenic.

Blueprint Genetics
Classification: Uncertain significance. Last evaluated: 2024-07-01. Review status: criteria provided, single submitter. Criteria: ACMG Guidelines, 2015. Collection method: clinical testing. Allele origin: germline.

GeneDx
Classification: Pathogenic. Last evaluated: 2024-06-24. Review status: criteria provided, single submitter. Criteria: GeneDx Variant Classification Process June 2021. Collection method: clinical testing. Allele origin: germline. Affected: yes.
Comment: Functional studies found this variant is associated with significantly reduced enzyme activity compared to wild-type (PMID: 16293621); Not observed at significant frequency in large population cohorts (gnomAD); In silico analysis supports that this missense variant has a deleterious effect on protein structure/function; Also known as p.R120Q; This variant is associated with the following publications: (PMID: 34867278, 23588557, 17560820, 16293621, 31589614, 32677286, 35861376, 37750340, 37312046, 35810474, 34779914, 32507414, 15214004, 16546416, 33977031, 32613234, 34820281, 3180993, 10796875, 37198191, 1899336, 17059888)

Revvity Omics, Revvity
Classification: Pathogenic. Last evaluated: 2024-06-21. Review status: criteria provided, single submitter. Criteria: ACMG Guidelines, 2015. Collection method: clinical testing. Allele origin: germline.

Women's Health and Genetics/Laboratory Corporation of America, LabCorp
Classification: Pathogenic for Gaucher disease. Last evaluated: 2021-05-23. Review status: criteria provided, single submitter. Criteria: LabCorp Variant Classification Summary - May 2015. Collection method: clinical testing. Allele origin: germline.
Comment: Variant summary: GBA c.476G>A (p.Arg159Gln) results in a conservative amino acid change located in the Glycosyl hydrolase family 30, TIM-barrel domain (IPR033453) of the encoded protein sequence. Four of five in-silico tools predict a damaging effect of the variant on protein function. The variant allele was found at a frequency of 8e-06 in 251180 control chromosomes. c.476G>A has been reported in the literature as p.Arg120Gln in multiple individuals affected with Gaucher Disease (example, Theophilus_1989, Beutler_1993, Koprivica_2000, Felderhoff-Meuser_2004, Rozenberg_2006, Mercimek-Mahmutoglu_2007, Sonder_2016). These data indicate that the variant is very likely to be associated with disease. At least one publication reports experimental evidence evaluating an impact on protein function in compound heterozygosity with a 12 nucleotide insertion. The most pronounced variant effect results in <1% of normal activity in the patient derived fibroblast homogenate (Felderhoff-Mueser_2004). Two clinical diagnostic laboratories have submitted clinical-significance assessments for this variant to ClinVar after 2014 without evidence for independent evaluation. All laboratories classified the variant as pathogenic (n=1)/likely pathogenic (n=1). Based on the evidence outlined above, the variant was classified as pathogenic.

Johns Hopkins Genomics, Johns Hopkins University
Classification: Likely pathogenic for Gaucher disease type I; Gaucher disease type II; Gaucher disease type III; Gaucher disease-ophthalmoplegia-cardiovascular calcification syndrome. Last evaluated: 2020-05-06. Review status: criteria provided, single submitter. Criteria: ACMG Guidelines, 2015. Collection method: clinical testing. Allele origin: germline.
Comment: GBA c.476G>A has been reported in multiple individuals presenting with Gaucher disease. This GBA variant (rs79653797) is rare (<0.1%) in a large population dataset (gnomAD: 2/251180 total alleles; 0.0008%; no homozygotes). This variant is located within a mutational hotpspot, which is in proximity to glucocerebrosidase catalytic sites. An alternate pathogenic missense change (p.Arg159Trp) has been reported at the same amino acid residue. This variant has been reported in ClinVar. Three bioinformatic tools queried predict that this substitution would be damaging, and the arginine residue at this position is highly evolutionarily conserved across most species assessed. We consider this variant to be likely pathogenic.